The following is an entry in ClinVar:

NM_000051.4(ATM):c.2683C>T (p.Leu895=)

Gene: ATM (ATM serine/threonine kinase; plus strand). Cytogenetic location: 11q22.3.
Variant type: single nucleotide variant.
Coding change: c.2683C>T on transcript NM_000051.4 (MANE Select); coding-DNA position 2683, C replaced by T.
Protein change: p.Leu895=; no amino-acid change (leucine 895 retained).
Molecular consequence: synonymous variant.
Genome position (GRCh38, 1-based): chr11:108,268,454, C>T. VCF-style: chr11-108268454-C-T. GRCh37 (hg19) VCF-style: chr11-108139181-C-T.
Other names: c.2683C>T, p.Leu895= (NM_001351834.2).
Identifiers: ClinVar variation 2772059 (VCV002772059.4), dbSNP rs1299030225, ClinGen allele CA476673786.

ClinVar aggregate classification (germline): Benign/Likely benign. Review status: criteria provided, multiple submitters, no conflicts (2 of 4 stars). 2 submissions from 2 submitters: Benign (1); Likely benign (1). Last evaluated 2024-05-10.

Conditions:
Familial cancer of breast. Also called: BREAST CANCER, FAMILIAL; Hereditary breast cancer; hereditary breast carcinoma. Identifiers: Orphanet 227535, MedGen C0346153, MONDO:0016419, OMIM 114480. Disease mechanism: loss of function.
Ataxia-telangiectasia syndrome (AT). Also called: Ataxia-telangiectasia, complementation group D; LOUIS-BAR SYNDROME; ATAXIA-TELANGIECTASIA, COMPLEMENTATION GROUP A; ATAXIA-TELANGIECTASIA, FRESNO VARIANT; Ataxia telangiectasia (A-T); Cerebello-oculocutaneous telangiectasia. Identifiers: Orphanet 100, MedGen C0004135, MONDO:0008840, OMIM 208900.

Allele frequency attached by ClinVar (database versions not stated): TOPMed 0.00001.

Submissions (2):

Myriad Genetics, Inc.
Classification: Benign for Familial cancer of breast. Last evaluated: 2024-05-10. Review status: criteria provided, single submitter. Criteria: Myriad Autosomal Dominant, Autosomal Recessive and X-Linked Classification Criteria (2023). Collection method: clinical testing. Allele origin: unknown.
Comment: This variant is considered benign. This variant is a silent/synonymous amino acid change and it is not expected to impact splicing.

Labcorp Genetics (formerly Invitae), Labcorp
Classification: Likely benign for Ataxia-telangiectasia syndrome. Last evaluated: 2023-10-27. Review status: criteria provided, single submitter. Criteria: Invitae Variant Classification Sherloc (09022015). Collection method: clinical testing. Allele origin: germline.